The following is an entry in ClinVar:

NM_001100913.3(PACS2):c.1850C>T (p.Ala617Val)

Gene: PACS2 (phosphofurin acidic cluster sorting protein 2; plus strand). Cytogenetic location: 14q32.33.
Variant type: single nucleotide variant.
Coding change: c.1850C>T on transcript NM_001100913.3 (MANE Select); coding-DNA position 1850, C replaced by T.
Protein change: p.Ala617Val; replaces alanine 617 with valine.
Molecular consequence: missense variant.
Genome position (GRCh38, 1-based): chr14:105,384,422, C>T. VCF-style: chr14-105384422-C-T. GRCh37 (hg19) VCF-style: chr14-105850759-C-T.
Other names: c.1850C>T (NM_001100913.2); c.1613C>T, p.Ala538Val (NM_001243127.3); c.1838C>T, p.Ala613Val (NM_015197.4); short protein forms A617V, A613V, A538V.
Identifiers: ClinVar variation 1920317 (VCV001920317.10), dbSNP rs782496059, ClinGen allele CA7389020.

ClinVar aggregate classification (germline): Conflicting classifications of pathogenicity. Review status: criteria provided, conflicting classifications (1 of 4 stars). 3 submissions from 3 submitters: Uncertain significance (1); Likely benign (2). Last evaluated 2025-12-01.

Conditions:
Inborn genetic diseases. Identifiers: MedGen C0950123, MeSH D030342.

Allele frequency attached by ClinVar (database versions not stated): gnomAD 0.00001; gnomAD exomes 0.00002; TOPMed 0.00005; ExAC 0.00014.
gnomAD v4.1: 27 of 1,612,106 alleles (0.0017%); highest among the groups gnomAD compares: Admixed American, 0.04%; no homozygotes.

Submissions (3):

CeGaT Center for Human Genetics Tuebingen
Classification: Likely benign. Last evaluated: 2025-12-01. Review status: criteria provided, single submitter. Criteria: CeGaT Center For Human Genetics Tuebingen Variant Classification Criteria Version 2. Collection method: clinical testing. Allele origin: germline. Affected: yes. Observed: 1 variant allele.
Comment: PACS2: BS2

Labcorp Genetics (formerly Invitae), Labcorp
Classification: Uncertain significance. Last evaluated: 2025-10-23. Review status: criteria provided, single submitter. Criteria: Invitae Variant Classification Sherloc (09022015). Collection method: clinical testing. Allele origin: germline.
Comment: This sequence change replaces alanine, which is neutral and non-polar, with valine, which is neutral and non-polar, at codon 617 of the PACS2 protein (p.Ala617Val). This variant is present in population databases (rs782496059, gnomAD 0.07%), and has an allele count higher than expected for a pathogenic variant. This variant has not been reported in the literature in individuals affected with PACS2-related conditions. ClinVar contains an entry for this variant (Variation ID: 1920317). Invitae Evidence Modeling of protein sequence and biophysical properties (such as structural, functional, and spatial information, amino acid conservation, physicochemical variation, residue mobility, and thermodynamic stability) indicates that this missense variant is not expected to disrupt PACS2 protein function with a negative predictive value of 80%. In summary, the available evidence is currently insufficient to determine the role of this variant in disease. Therefore, it has been classified as a Variant of Uncertain Significance.

Ambry Genetics
Classification: Likely benign for Inborn genetic diseases. Last evaluated: 2025-09-24. Review status: criteria provided, single submitter. Criteria: Ambry Variant Classification Scheme 2023. Collection method: clinical testing. Allele origin: germline.